The following is an entry in ClinVar:

ClinVar aggregate classification (germline): Uncertain significance (1 of 4 stars; one submission).

Conditions:
Senior-Loken syndrome 8 (SLSN8). Identifiers: Orphanet 3156, MedGen C4225376, MONDO:0014579, OMIM 616307.
Asphyxiating thoracic dystrophy 5 (SRTD5). Also called: SHORT-RIB THORACIC DYSPLASIA 5 WITH OR WITHOUT POLYDACTYLY; SHORT-RIB THORACIC DYSPLASIA 5 WITHOUT POLYDACTYLY. Identifiers: Orphanet 474, MedGen C3280598, MONDO:0013717, OMIM 614376.

Submission:

Labcorp Genetics (formerly Invitae), Labcorp
Classification: Uncertain significance for Senior-Loken syndrome 8; Asphyxiating thoracic dystrophy 5. Last evaluated: 2021-11-05. Review status: criteria provided, single submitter. Criteria: Invitae Variant Classification Sherloc (09022015). Collection method: clinical testing. Allele origin: germline.
Comment: This variant is not present in population databases (gnomAD no frequency). This sequence change replaces histidine, which is basic and polar, with asparagine, which is neutral and polar, at codon 768 of the WDR19 protein (p.His768Asn). This variant has not been reported in the literature in individuals affected with WDR19-related conditions. Algorithms developed to predict the effect of missense changes on protein structure and function (SIFT, PolyPhen-2, Align-GVGD) all suggest that this variant is likely to be tolerated. In summary, the available evidence is currently insufficient to determine the role of this variant in disease. Therefore, it has been classified as a Variant of Uncertain Significance.

NM_025132.4(WDR19):c.2302C>A (p.His768Asn)

Gene: WDR19 (WD repeat domain 19; plus strand). Cytogenetic location: 4p14.
Variant type: single nucleotide variant.
Coding change: c.2302C>A on transcript NM_025132.4 (MANE Select); coding-DNA position 2302, C replaced by A.
Protein change: p.His768Asn; replaces histidine 768 with asparagine.
Molecular consequence: missense variant.
Genome position (GRCh38, 1-based): chr4:39,234,814, C>A. VCF-style: chr4-39234814-C-A. GRCh37 (hg19) VCF-style: chr4-39236434-C-A.
Other names: c.1822C>A, p.His608Asn (NM_001317924.2); short protein forms H768N, H608N.
Identifiers: ClinVar variation 1391533 (VCV001391533.6), dbSNP rs2109377406, ClinGen allele CA356635357.
Genomic context (GRCh38, chr4:39,234,814, plus strand): 5'-TCTTCTTAACAGATGAGAAGGGATTTACAGCATTGGGACAGTGCTCTACAACTGGCAAAG[C>A]ATTTGGCCCCAGACCAGATACCTTTTATATCAAAAGAATATGCTATTCAGCTTGAATTCG-3'
Protein context (NP_079408.3, residues 758-778): HWDSALQLAK[His768Asn]LAPDQIPFIS